The following is an entry in ClinVar:

NM_000593.6(TAP1):c.739G>A (p.Gly247Arg)

Gene: TAP1 (transporter 1, ATP binding cassette subfamily B member; minus strand). Cytogenetic location: 6p21.32.
Variant type: single nucleotide variant.
Coding change: c.739G>A on transcript NM_000593.6 (MANE Select); coding-DNA position 739, G replaced by A.
Protein change: p.Gly247Arg; replaces glycine 247 with arginine.
Molecular consequence: missense variant.
Genome position (GRCh38, 1-based): chr6:32,852,214, C>T on the plus strand (G>A on the coding strand, the complement: TAP1 is on the minus strand). VCF-style: chr6-32852214-C-T. GRCh37 (hg19) VCF-style: chr6-32819991-C-T.
Other names: c.136G>A, p.Gly46Arg (NM_001292022.2); short protein forms G307R, G46R, G247R.
Identifiers: ClinVar variation 466392 (VCV000466392.9), dbSNP rs59328013, ClinGen allele CA3746940.
Genomic context (GRCh38, chr6:32,852,214, plus strand): 5'-CCCCAAACACCTCTCCCTGCAAGTGGCTGTGCACGTGGCCCATGGTGTTGTTATAGATCC[C>T]GTCACCCACGAACTCCAGCACTGCACTATAAAGAACCCGGAAAAAAAGGGGATCAGGGTG-3'
Protein context (NP_000584.3, residues 237-257): ASAVLEFVGD[Gly247Arg]IYNNTMGHVH

ClinVar aggregate classification (germline): Uncertain significance. Review status: criteria provided, multiple submitters, no conflicts (2 of 4 stars). 3 submissions from 3 submitters: Uncertain significance (3). Last evaluated 2025-07-18.

Conditions:
TAP1-related disorder. Also called: TAP1-related condition.
MHC class I deficiency. Identifiers: Orphanet 34592, MedGen C6024714, MONDO:0011476.

Allele frequency attached by ClinVar (database versions not stated): 1000 Genomes Project 30x 0.00016; 1000 Genomes Project 0.00020; gnomAD 0.00057; TOPMed 0.00062; ESP Exome Variant Server 0.00095.
gnomAD v4.1: 184 of 1,612,938 alleles (0.011%); highest among the groups gnomAD compares: African/African-American, 0.2%; no homozygotes.

Submissions (3):

Women's Health and Genetics/Laboratory Corporation of America, LabCorp
Classification: Uncertain significance. Last evaluated: 2025-07-18. Review status: criteria provided, single submitter. Criteria: LabCorp Variant Classification Summary - May 2015. Collection method: clinical testing. Allele origin: germline.
Comment: Variant summary: TAP1 c.739G>A (p.Gly247Arg) results in a non-conservative amino acid change in the encoded protein sequence. Algorithms developed to predict the effect of missense changes on protein structure and function are either unavailable or do not agree on the potential impact of this missense change. The variant allele was found at a frequency of 0.00013 in 246710 control chromosomes. This frequency is not significantly higher than estimated for a pathogenic variant in TAP1 causing MHC Class I Deficiency, allowing no conclusion about variant significance. To our knowledge, no occurrence of c.739G>A in individuals affected with MHC Class I Deficiency and no experimental evidence demonstrating its impact on protein function have been reported. ClinVar contains an entry for this variant (Variation ID: 466392). Based on the evidence outlined above, the variant was classified as uncertain significance.

PreventionGenetics, part of Exact Sciences
Classification: Uncertain significance for TAP1-related condition. Last evaluated: 2025-03-20. Review status: criteria provided, single submitter. Criteria: ACMG Guidelines, 2015. Collection method: clinical testing. Allele origin: germline.
Comment: The TAP1 c.919G>A variant is predicted to result in the amino acid substitution p.Gly307Arg. To our knowledge, this variant has not been reported in the literature. This variant is reported in 0.19% of alleles in individuals of African descent in gnomAD. Although we suspect that this variant may be benign, at this time, the clinical significance of this variant is uncertain due to the absence of conclusive functional and genetic evidence.

Labcorp Genetics (formerly Invitae), Labcorp
Classification: Uncertain significance for MHC class I deficiency 1. Last evaluated: 2022-07-22. Review status: criteria provided, single submitter. Criteria: Invitae Variant Classification Sherloc (09022015). Collection method: clinical testing. Allele origin: germline.
Comment: This sequence change replaces glycine, which is neutral and non-polar, with arginine, which is basic and polar, at codon 307 of the TAP1 protein (p.Gly307Arg). This variant is present in population databases (rs59328013, gnomAD 0.2%). This variant has not been reported in the literature in individuals affected with TAP1-related conditions. ClinVar contains an entry for this variant (Variation ID: 466392). Algorithms developed to predict the effect of missense changes on protein structure and function are either unavailable or do not agree on the potential impact of this missense change (SIFT: "Deleterious"; PolyPhen-2: "Probably Damaging"; Align-GVGD: "Class C0"). Algorithms developed to predict the effect of sequence changes on RNA splicing suggest that this variant may create or strengthen a splice site. In summary, the available evidence is currently insufficient to determine the role of this variant in disease. Therefore, it has been classified as a Variant of Uncertain Significance.